The following continues an entry in ClinVar:

NM_000465.4(BARD1):c.1935_1954dup (p.Glu652fs)

Gene: BARD1. ClinVar aggregate classification (germline): Pathogenic/Likely pathogenic. Pathogenic (15); Likely pathogenic (4).

Submissions 12 to 21 of 21:

Myriad Genetics, Inc.
Classification: Pathogenic for Familial cancer of breast. Last evaluated: 2023-02-24. Review status: criteria provided, single submitter. Criteria: Myriad Autosomal Dominant, Autosomal Recessive and X-Linked Classification Criteria (2023). Collection method: clinical testing. Allele origin: unknown.
Comment: This variant is considered pathogenic. This variant creates a frameshift predicted to result in premature protein truncation.

Quest Diagnostics Nichols Institute San Juan Capistrano
Classification: Pathogenic. Last evaluated: 2021-12-20. Review status: criteria provided, single submitter. Criteria: Quest Diagnostics criteria. Collection method: clinical testing. Allele origin: unknown.
Comment: This frameshift variant alters the translational reading frame of the BARD1 mRNA and causes the premature termination of BARD1 protein synthesis. The frequency of this variant in the general population, 0.00012 (15/129114 chromosomes), is consistent with pathogenicity. In the published literature, the variant has been reported in individuals/families with breast cancer (PMIDs: 31036035 (2019), 26681312 (2015), 25452441 (2015), 20077502 (2010)). Based on the available information, this variant is classified as pathogenic.

Institute for Clinical Genetics, University Hospital TU Dresden, University Hospital TU Dresden
Classification: Pathogenic. Last evaluated: 2021-11-03. Review status: criteria provided, single submitter. Criteria: ACMG Guidelines, 2015. Collection method: clinical testing. Allele origin: germline.

Blueprint Genetics
Classification: Pathogenic for BARD1-related disorders. Last evaluated: 2020-12-02. Review status: criteria provided, single submitter. Criteria: ACMG Guidelines, 2015. Collection method: clinical testing. Allele origin: germline. Affected: yes. Observed: 3 variant alleles.

Women's Health and Genetics/Laboratory Corporation of America, LabCorp
Classification: Pathogenic for Hereditary breast and ovarian cancer syndrome. Last evaluated: 2020-11-10. Review status: criteria provided, single submitter. Criteria: LabCorp Variant Classification Summary - May 2015. Collection method: clinical testing. Allele origin: germline.
Comment: Variant summary: BARD1 c.1935_1954dup20 (p.Glu652ValfsX69) results in a premature termination codon, predicted to cause a truncation of the encoded protein or absence of the protein due to nonsense mediated decay, which are commonly known mechanisms for disease. One report in the literature indicates that the variant does not activate nonsense mediated decay, as RT-PCR analysis showed equal amounts of the mutant and wild-type alleles expressed in leukocytes from individuals with the variant (DeBrakeleer_2010). The variant allele was found at a frequency of 6.4e-05 in 251374 control chromosomes (gnomAD). This frequency is not significantly higher than expected for a pathogenic variant in BARD1 causing Hereditary Breast and Ovarian Cancer (6.4e-05 vs 0.00025), allowing no conclusion about variant significance. c.1935_1954dup20 has been reported in the literature in multiple individuals affected with Hereditary Breast and Ovarian Cancer (e.g. DeBrakeleer_2010, Couch_2015, Weber-Lassalle_2019). These data indicate that the variant is very likely to be associated with disease. The variant has also been found in at least one patient with pancreatic cancer (Smith_2016). Six clinical diagnostic laboratories have submitted clinical-significance assessments for this variant to ClinVar after 2014. All laboratories classified the variant as pathogenic/likely pathogenic. Based on the evidence outlined above, the variant was classified as pathogenic.

Department of Pathology and Laboratory Medicine, Sinai Health System
Classification: Pathogenic for Familial cancer of breast. Last evaluated: 2018-07-10. Review status: criteria provided, single submitter. Criteria: ACMG Guidelines, 2015. Collection method: clinical testing. Allele origin: germline. Affected: yes.

HudsonAlpha Institute for Biotechnology
Classification: Pathogenic for Familial cancer of breast. Last evaluated: 2017-04-13. Review status: criteria provided, single submitter. Criteria: HA_assertions_20150911. Collection method: research. Allele origin: unknown. Observed: 1 variant allele. Study: CSER-HudsonAlpha.

Ambry Genetics
Classification: Pathogenic for Hereditary cancer-predisposing syndrome. Last evaluated: 2015-12-15. Review status: criteria provided, single submitter. Criteria: Ambry Autosomal Dominant and X-Linked criteria (10/2015). Collection method: clinical testing. Allele origin: germline. Observed: 1 variant allele.
Comment: The c.1935_1954dup20 pathogenic mutation, located in coding exon 10 of the BARD1 gene, results from a duplication of 20 nucleotides from positions 1935 to 1954, causing a translational frameshift with a predicted alternate stop codon. This mutation has previously been reported in a high risk breast/ovarian cancer family from Belgium (De Brakeleer S et al. Hum. Mutat. 2010 Mar;31(3):E1175-85) and in 3 of 1824 triple negative breast cancer patients unselected for family history (Couch FJ et al. J. Clin. Oncol. 2015 Feb;33(4):304-11, Supplementary Data). In addition to the clinical data presented in the literature, this alteration is expected to result in loss of function by premature protein truncation or nonsense-mediated mRNA decay. As such, this alteration is interpreted as a disease-causing mutation.

BRCAlab, Lund University
Classification: Pathogenic for Familial cancer of breast. Last evaluated: 2022-08-26. Review status: no assertion criteria provided. Collection method: clinical testing. Allele origin: germline. Affected: yes. Not counted in ClinVar's aggregate classification.

Counsyl
Classification: Likely pathogenic for Familial cancer of breast. Last evaluated: 2017-02-07. Review status: no assertion criteria provided. Collection method: clinical testing. Allele origin: unknown. Not counted in ClinVar's aggregate classification.

Literature cited by the submitters: PubMed 20077502 (cited by 10 submitters); PubMed 25452441 (cited by 8 submitters); PubMed 26681312 (cited by 6 submitters); PubMed 26315354 (cited by Labcorp Genetics (formerly Invitae), Labcorp); PubMed 17550235 (cited by Labcorp Genetics (formerly Invitae), Labcorp); PubMed 26738429 (cited by Labcorp Genetics (formerly Invitae), Labcorp); PubMed 17848578 (cited by Labcorp Genetics (formerly Invitae), Labcorp and Color Diagnostics, LLC DBA Color Health); PubMed 33099839 (cited by Center for Genomic Medicine, Rigshospitalet, Copenhagen University Hospital); PubMed 31036035 (cited by 5 submitters); PubMed 28888541 (cited by Center for Genomic Medicine, Rigshospitalet, Copenhagen University Hospital and Institute for Genomic Medicine (IGM) Clinical Laboratory, Nationwide Children's Hospital); PubMed 29790872 (cited by Institute for Genomic Medicine (IGM) Clinical Laboratory, Nationwide Children's Hospital); PubMed 31173646 (cited by Institute for Genomic Medicine (IGM) Clinical Laboratory, Nationwide Children's Hospital); PubMed 35626031 (cited by Institute for Genomic Medicine (IGM) Clinical Laboratory, Nationwide Children's Hospital); PubMed 33598691 (cited by Color Diagnostics, LLC DBA Color Health); PubMed 26546047 (cited by Women's Health and Genetics/Laboratory Corporation of America, LabCorp and Counsyl); PubMed 21344236 (cited by Department of Pathology and Laboratory Medicine, Sinai Health System); PubMed 26556299 (cited by Counsyl).